The following is an entry in ClinVar:

ClinVar aggregate classification (germline): Uncertain significance. Review status: criteria provided, multiple submitters, no conflicts (2 of 4 stars). 3 submissions from 3 submitters: Uncertain significance (3). Last evaluated 2025-02-01.

Conditions:
Cardiovascular phenotype. Identifiers: MedGen CN230736.
Long QT syndrome (LQTS). Identifiers: MedGen C0023976, MeSH D008133, MONDO:0002442. Disease mechanism: loss of function. Inheritance: Various modes of inheritance.

Allele frequency attached by ClinVar (database versions not stated): ExAC 0.00002; gnomAD exomes 0.00002.
gnomAD v4.1: 35 of 1,613,842 alleles (0.0022%); highest among the groups gnomAD compares: Non-Finnish European, 0.0029%; no homozygotes.

Submissions (3):

Labcorp Genetics (formerly Invitae), Labcorp
Classification: Uncertain significance for Long QT syndrome. Last evaluated: 2025-02-01. Review status: criteria provided, single submitter. Criteria: Invitae Variant Classification Sherloc (09022015). Collection method: clinical testing. Allele origin: germline.
Comment: This sequence change replaces glutamic acid, which is acidic and polar, with glutamine, which is neutral and polar, at codon 1362 of the ANK2 protein (p.Glu1362Gln). This variant is present in population databases (rs766410850, gnomAD 0.004%). This variant has not been reported in the literature in individuals affected with ANK2-related conditions. ClinVar contains an entry for this variant (Variation ID: 2580430). Invitae Evidence Modeling of protein sequence and biophysical properties (such as structural, functional, and spatial information, amino acid conservation, physicochemical variation, residue mobility, and thermodynamic stability) has been performed for this missense variant. However, the output from this modeling did not meet the statistical confidence thresholds required to predict the impact of this variant on ANK2 protein function. In summary, the available evidence is currently insufficient to determine the role of this variant in disease. Therefore, it has been classified as a Variant of Uncertain Significance.

Ambry Genetics
Classification: Uncertain significance for Cardiovascular phenotype. Last evaluated: 2024-08-12. Review status: criteria provided, single submitter. Criteria: Ambry Variant Classification Scheme 2023. Collection method: clinical testing. Allele origin: germline.
Comment: The p.E1362Q variant (also known as c.4084G>C), located in coding exon 33 of the ANK2 gene, results from a G to C substitution at nucleotide position 4084. The glutamic acid at codon 1362 is replaced by glutamine, an amino acid with highly similar properties. This amino acid position is conserved. In addition, this alteration is predicted to be deleterious by in silico analysis. Based on the available evidence, the clinical significance of this variant remains unclear.

GeneDx
Classification: Uncertain significance. Last evaluated: 2023-03-23. Review status: criteria provided, single submitter. Criteria: GeneDx Variant Classification Process June 2021. Collection method: clinical testing. Allele origin: germline. Affected: yes.
Comment: Not observed at significant frequency in large population cohorts (gnomAD); In silico analysis supports that this missense variant has a deleterious effect on protein structure/function; Has not been previously published as pathogenic or benign to our knowledge

NM_001148.6(ANK2):c.4084G>C (p.Glu1362Gln)

Gene: ANK2 (ankyrin 2; plus strand). Cytogenetic location: 4q26.
Variant type: single nucleotide variant.
Coding change: c.4084G>C on transcript NM_001148.6 (MANE Select); coding-DNA position 4084, G replaced by C.
Protein change: p.Glu1362Gln; replaces glutamic acid 1362 with glutamine.
Molecular consequence: missense variant.
Genome position (GRCh38, 1-based): chr4:113,341,878, G>C. VCF-style: chr4-113341878-G-C. GRCh37 (hg19) VCF-style: chr4-114263034-G-C.
Other names: c.4120G>C, p.Glu1374Gln (NM_001354232.2); c.4081G>C, p.Glu1361Gln (NM_001354235.2, NM_001354246.2, NM_001354265.2); c.3982G>C, p.Glu1328Gln (NM_001354236.2); c.4162G>C, p.Glu1388Gln (NM_001354237.2); c.4054G>C, p.Glu1352Gln (NM_001354239.2, NM_001354252.2); c.4129G>C, p.Glu1377Gln (NM_001354240.2, NM_001354241.2, NM_001386144.1); c.4126G>C, p.Glu1376Gln (NM_001354242.2, NM_001354231.2); c.4021G>C, p.Glu1341Gln (NM_001354243.2, NM_001354255.2, NM_001386143.1); and 31 more; short protein forms E1201Q, E1234Q, E1262Q, E1267Q, E1275Q, E1287Q, E1291Q, E1295Q.
Identifiers: ClinVar variation 2580430 (VCV002580430.4), dbSNP rs766410850, ClinGen allele CA3050976.